The following is an entry in ClinVar:

ClinVar aggregate classification (germline): Pathogenic/Likely pathogenic. Review status: criteria provided, multiple submitters, no conflicts (2 of 4 stars). 4 submissions from 4 submitters: Pathogenic (3); Likely pathogenic (1). Last evaluated 2025-05-21.

Conditions:
MASA syndrome. Also called: CRASH syndrome; ADDUCTED THUMB WITH MENTAL RETARDATION; CLASPED THUMB AND MENTAL RETARDATION; GAREIS-MASON SYNDROME; MENTAL RETARDATION, APHASIA, SHUFFLING GAIT, AND ADDUCTED THUMBS; SPASTIC PARAPLEGIA 1, X-LINKED. Identifiers: Orphanet 2466, MedGen C0795953, MONDO:0010559, OMIM 303350.
L1 syndrome. Identifiers: Orphanet 275543, MedGen C5779710, MONDO:0017140.
Spastic paraplegia. Identifiers: MedGen C0037772, HP:0001258.

Submissions (4):

Department of Human Genetics, Hannover Medical School
Classification: Likely pathogenic for MASA syndrome. Last evaluated: 2025-05-21. Review status: criteria provided, single submitter. Criteria: ACMG Guidelines, 2015. Collection method: clinical testing. Allele origin: germline. Inheritance: X-linked inheritance. Affected: yes.
Comment: ACMG: PS4_Moderate, PM2_Supporting, PP1, PP3_Moderate

GeneDx
Classification: Pathogenic. Last evaluated: 2023-10-24. Review status: criteria provided, single submitter. Criteria: GeneDx Variant Classification Process June 2021. Collection method: clinical testing. Allele origin: germline. Affected: yes.
Comment: Not observed in large population cohorts (gnomAD); In silico analysis supports that this missense variant has a deleterious effect on protein structure/function; This variant is associated with the following publications: (PMID: 10767310, 16760466, 20447653, 9744477, 30712878, 34114234, 35131284, 31785789, 33504798, 23820807)

Labcorp Genetics (formerly Invitae), Labcorp
Classification: Pathogenic for Spastic paraplegia. Last evaluated: 2021-12-09. Review status: criteria provided, single submitter. Criteria: Invitae Variant Classification Sherloc (09022015). Collection method: clinical testing. Allele origin: germline.
Comment: This missense change has been observed in individuals with L1CAM-related disease (PMID: 9744477, 20447653, 23820807; Invitae). It has also been observed to segregate with disease in related individuals. This variant is not present in population databases (gnomAD no frequency). This sequence change replaces arginine, which is basic and polar, with cysteine, which is neutral and slightly polar, at codon 473 of the L1CAM protein (p.Arg473Cys). ClinVar contains an entry for this variant (Variation ID: 265224). For these reasons, this variant has been classified as Pathogenic. Advanced modeling of protein sequence and biophysical properties (such as structural, functional, and spatial information, amino acid conservation, physicochemical variation, residue mobility, and thermodynamic stability) performed at Invitae indicates that this missense variant is expected to disrupt L1CAM protein function.

Women's Health and Genetics/Laboratory Corporation of America, LabCorp
Classification: Pathogenic for L1 syndrome. Last evaluated: 2020-07-16. Review status: criteria provided, single submitter. Criteria: LabCorp Variant Classification Summary - May 2015. Collection method: clinical testing. Allele origin: germline.
Comment: Variant summary: L1CAM c.1417C>T (p.Arg473Cys) results in a non-conservative amino acid change located in the fifth immunoglobulin-like domain (IPR007110) of the encoded protein sequence. Five of five in-silico tools predict a damaging effect of the variant on protein function. The variant was absent in 183003 control chromosomes (gnomAD). c.1417C>T has been reported in the literature in multiple individuals affected with L1 Syndrome, and the variant seemed to segregate with the disease in related individuals (Saugier-Veber_1998, Bertolin_2010, Petrovski_2019). These data indicate that the variant is very likely to be associated with disease. To our knowledge, no experimental evidence demonstrating an impact on protein function has been reported. Two other clinical diagnostic laboratories have submitted clinical-significance assessments for this variant to ClinVar after 2014 without evidence for independent evaluation, and both of them classified the variant as pathogenic. Based on the evidence outlined above, the variant was classified as pathogenic.

Literature cited by the submitters: PubMed 9744477 (cited by Labcorp Genetics (formerly Invitae), Labcorp and Women's Health and Genetics/Laboratory Corporation of America, LabCorp); PubMed 20447653 (cited by Labcorp Genetics (formerly Invitae), Labcorp and Women's Health and Genetics/Laboratory Corporation of America, LabCorp); PubMed 23820807 (cited by Labcorp Genetics (formerly Invitae), Labcorp); PubMed 10469653 (cited by Women's Health and Genetics/Laboratory Corporation of America, LabCorp); PubMed 10767310 (cited by Women's Health and Genetics/Laboratory Corporation of America, LabCorp); PubMed 30712878 (cited by Women's Health and Genetics/Laboratory Corporation of America, LabCorp).

NM_001278116.2(L1CAM):c.1417C>T (p.Arg473Cys)

Gene: L1CAM (L1 cell adhesion molecule; minus strand). Cytogenetic location: Xq28.
Variant type: single nucleotide variant.
Coding change: c.1417C>T on transcript NM_001278116.2 (MANE Select); coding-DNA position 1417, C replaced by T.
Protein change: p.Arg473Cys; replaces arginine 473 with cysteine.
Molecular consequence: missense variant.
Genome position (GRCh38, 1-based): chrX:153,868,690, G>A on the plus strand (C>T on the coding strand, the complement: L1CAM is on the minus strand). VCF-style: chrX-153868690-G-A. GRCh37 (hg19) VCF-style: chrX-153134145-G-A.
Other names: c.1417C>T, p.Arg473Cys (NM_000425.5, NM_024003.3); c.1402C>T, p.Arg468Cys (NM_001143963.2); short protein forms R473C, R468C.
Identifiers: ClinVar variation 265224 (VCV000265224.14), dbSNP rs886039408, ClinGen allele CA10588750.
Genomic context (GRCh38, chrX:153,868,690, plus strand): 5'-CGGTGTCATTGGCCTGGAGGTCTCGAATGCCCAGGGTCCCATTGGCATAGGGGAAGAAGC[G>A]TTCGTCCTGAAGCACTGTTGTCCCATCCTCGTCCAGCCTGGAGGGAGCAGGGCGGGCCTG-3'
Protein context (NP_001265045.1, residues 463-483): EDGTTVLQDE[Arg473Cys]FFPYANGTLG